The following is an entry in ClinVar:

ClinVar aggregate classification (germline): Uncertain significance (1 of 4 stars; one submission).

Conditions:
Congenital myopathy with internal nuclei and atypical cores. Also called: Myopathy, centronuclear, 4. Identifiers: Orphanet 319160, MedGen C4707232, MONDO:0013890, OMIM 614807.

Allele frequency attached by ClinVar (database versions not stated): TOPMed below 0.00001.
gnomAD v4.1: 1 of 1,612,786 alleles (0.000062%); highest among the groups gnomAD compares: Non-Finnish European, 0.000085%; no homozygotes.

Submission:

Labcorp Genetics (formerly Invitae), Labcorp
Classification: Uncertain significance for Congenital myopathy with internal nuclei and atypical cores. Last evaluated: 2022-08-12. Review status: criteria provided, single submitter. Criteria: Invitae Variant Classification Sherloc (09022015). Collection method: clinical testing. Allele origin: germline.
Comment: This sequence change affects codon 134 of the CCDC78 mRNA. It is a 'silent' change, meaning that it does not change the encoded amino acid sequence of the CCDC78 protein. This variant is not present in population databases (gnomAD no frequency). This variant has not been reported in the literature in individuals affected with CCDC78-related conditions. Algorithms developed to predict the effect of sequence changes on RNA splicing suggest that this variant may disrupt the consensus splice site. In summary, the available evidence is currently insufficient to determine the role of this variant in disease. Therefore, it has been classified as a Variant of Uncertain Significance.

NM_001378030.1(CCDC78):c.402G>A (p.Gln134=)

Gene: CCDC78 (coiled-coil domain containing 78; minus strand). Cytogenetic location: 16p13.3.
Variant type: single nucleotide variant.
Coding change: c.402G>A on transcript NM_001378030.1 (MANE Select); coding-DNA position 402, G replaced by A.
Protein change: p.Gln134=; no amino-acid change (glutamine 134 retained).
Molecular consequence: synonymous variant. On other transcripts: non-coding transcript variant (5), intron variant (1).
Genome position (GRCh38, 1-based): chr16:725,446, C>T on the plus strand (G>A on the coding strand, the complement: CCDC78 is on the minus strand). VCF-style: chr16-725446-C-T. GRCh37 (hg19) VCF-style: chr16-775446-C-T.
Other names: c.402G>A, p.Gln134= (NM_001031737.3, NM_001378031.1); c.-18-153G>A (NM_001378033.1).
Identifiers: ClinVar variation 2137313 (VCV002137313.4), dbSNP rs2040800013, ClinGen allele CA493013623.
Genomic context (GRCh38, chr16:725,446, plus strand): 5'-CCAGGCTCTCCATATGCTCATGGTAACCTGGAATCTGTGGTCATCAGAGTGTCCAGGCAC[C>T]TGGGCTTTGTGTCTGAGCTCTTGGGCTGCTGCCCGGGGATGCCTGGGGTCAGACTCCACT-3'
Protein context (NP_001364959.1, residues 124-144): AAAQELRHKA[Gln134=]VPGHSDDHRF